The following is an entry in ClinVar:

NM_024577.4(SH3TC2):c.3589C>T (p.Pro1197Ser)

Gene: SH3TC2 (SH3 domain and tetratricopeptide repeats 2; minus strand). Cytogenetic location: 5q32.
Variant type: single nucleotide variant.
Coding change: c.3589C>T on transcript NM_024577.4 (MANE Select); coding-DNA position 3589, C replaced by T.
Protein change: p.Pro1197Ser; replaces proline 1197 with serine.
Molecular consequence: missense variant.
Genome position (GRCh38, 1-based): chr5:149,006,967, G>A on the plus strand (C>T on the coding strand, the complement: SH3TC2 is on the minus strand). VCF-style: chr5-149006967-G-A. GRCh37 (hg19) VCF-style: chr5-148386530-G-A.
Other names: short protein forms P1197S.
Identifiers: ClinVar variation 1037175 (VCV001037175.8), dbSNP rs1343590454, ClinGen allele CA361664055.

ClinVar aggregate classification (germline): Uncertain significance (1 of 4 stars; one submission).

Conditions:
Charcot-Marie-Tooth disease type 4. Also called: Charcot-Marie-Tooth disease, type IV; Charcot-Marie-Tooth, Type 4. Identifiers: Orphanet 64749, MedGen C4082197, MONDO:0018995.

Submission:

Labcorp Genetics (formerly Invitae), Labcorp
Classification: Uncertain significance for Charcot-Marie-Tooth disease type 4. Last evaluated: 2020-06-15. Review status: criteria provided, single submitter. Criteria: Invitae Variant Classification Sherloc (09022015). Collection method: clinical testing. Allele origin: germline.
Comment: In summary, the available evidence is currently insufficient to determine the role of this variant in disease. Therefore, it has been classified as a Variant of Uncertain Significance. Algorithms developed to predict the effect of missense changes on protein structure and function output the following: SIFT: "Deleterious"; PolyPhen-2: "Benign"; Align-GVGD: "Class C65". The serine amino acid residue is found in multiple mammalian species, suggesting that this missense change does not adversely affect protein function. These predictions have not been confirmed by published functional studies and their clinical significance is uncertain. This variant has not been reported in the literature in individuals with SH3TC2-related conditions. This variant is not present in population databases (ExAC no frequency). This sequence change replaces proline with serine at codon 1197 of the SH3TC2 protein (p.Pro1197Ser). The proline residue is highly conserved and there is a moderate physicochemical difference between proline and serine.